The following is an entry in ClinVar:

NM_001365536.1(SCN9A):c.4778T>C (p.Met1593Thr)

Genes: SCN1A-AS1 (SCN1A and SCN9A antisense RNA 1; plus strand), SCN9A (sodium voltage-gated channel alpha subunit 9; minus strand). Cytogenetic location: 2q24.3.
Variant type: single nucleotide variant.
Coding change: c.4778T>C on transcript NM_001365536.1 (MANE Select); coding-DNA position 4778, T replaced by C.
Protein change: p.Met1593Thr; replaces methionine 1593 with threonine.
Molecular consequence: missense variant.
Genome position (GRCh38, 1-based): chr2:166,199,861, A>G on the plus strand (T>C on the coding strand, the complement: SCN9A is on the minus strand). VCF-style: chr2-166199861-A-G. GRCh37 (hg19) VCF-style: chr2-167056371-A-G.
Other names: c.4745T>C, p.Met1582Thr (NM_002977.4); short protein forms M1582T, M1593T.
Identifiers: ClinVar variation 852108 (VCV000852108.11), dbSNP rs754401649, ClinGen allele CA1943777.
Genomic context (GRCh38, chr2:166,199,861, plus strand): 5'-CGGATCACTCGGAACAGGGTAGGGGACACAAAATACGTTTCAATCAAATCAGCTAGAAAC[A>G]TACCTGTATGTGGAGGAAAATAATAGAAATAAAATATTTAAAGATGTATGCTACCTGAAA-3'
Protein context (NP_001352465.1, residues 1583-1603): FVVVIISIVG[Met1593Thr]FLADLIETYF

ClinVar aggregate classification (germline): Uncertain significance (1 of 4 stars; one submission).

Conditions:
Neuropathy, hereditary sensory and autonomic, type 2A (HSAN2A). Also called: MORVAN DISEASE; NEUROPATHY, CONGENITAL SENSORY; NEUROPATHY, HEREDITARY SENSORY RADICULAR, AUTOSOMAL RECESSIVE; NEUROPATHY, HEREDITARY SENSORY, TYPE IIA; NEUROPATHY, PROGRESSIVE SENSORY, OF CHILDREN; HSAN IIA. Identifiers: Orphanet 970, MedGen C2752089, MONDO:0024309, OMIM 201300.
Paroxysmal extreme pain disorder (PEXPD). Also called: PAIN, SUBMANDIBULAR, OCULAR, AND RECTAL, WITH FLUSHING; RECTAL PAIN, FAMILIAL; SCN9A Paroxysmal Extreme Pain Disorder (SCN9A-PEPD). Identifiers: Orphanet 46348, MedGen C1833661, MONDO:0008179, OMIM 167400.
Channelopathy-associated congenital insensitivity to pain, autosomal recessive. Also called: Insensitivity to pain, channelopathy-associated; ASYMBOLIA FOR PAIN; CONGENITAL ANALGESIA, AUTOSOMAL RECESSIVE. Identifiers: Orphanet 88642, Orphanet 970, MedGen C1855739, MONDO:0009459, OMIM 243000.
Primary erythromelalgia. Also called: SCN9A Erythromelalgia (SCN9A-EM); primary erythermalgia. Identifiers: Orphanet 306577, Orphanet 90026, MedGen C0014805, MONDO:0007571, OMIM 133020.
Generalized epilepsy with febrile seizures plus, type 7 (GEFSP7). Also called: GEFS+, TYPE 7. Identifiers: Orphanet 36387, MedGen C2751778, MONDO:0013470, OMIM 613863.

Allele frequency attached by ClinVar (database versions not stated): ExAC 0.00001; gnomAD 0.00001; TOPMed 0.00001.

Submission:

Labcorp Genetics (formerly Invitae), Labcorp
Classification: Uncertain significance for Neuropathy, hereditary sensory and autonomic, type 2A; Generalized epilepsy with febrile seizures plus, type 7. Last evaluated: 2023-10-10. Review status: criteria provided, single submitter. Criteria: Invitae Variant Classification Sherloc (09022015). Collection method: clinical testing. Allele origin: germline.
Comment: This sequence change replaces methionine, which is neutral and non-polar, with threonine, which is neutral and polar, at codon 1582 of the SCN9A protein (p.Met1582Thr). This variant is present in population databases (rs754401649, gnomAD 0.006%). This variant has not been reported in the literature in individuals affected with SCN9A-related conditions. ClinVar contains an entry for this variant (Variation ID: 852108). Advanced modeling of protein sequence and biophysical properties (such as structural, functional, and spatial information, amino acid conservation, physicochemical variation, residue mobility, and thermodynamic stability) performed at Invitae indicates that this missense variant is not expected to disrupt SCN9A protein function. In summary, the available evidence is currently insufficient to determine the role of this variant in disease. Therefore, it has been classified as a Variant of Uncertain Significance.